The following is an entry in ClinVar:

NM_024675.4(PALB2):c.833del (p.Leu278fs)

Gene: PALB2 (partner and localizer of BRCA2; minus strand). Cytogenetic location: 16p12.2.
Variant type: Deletion.
Coding change: c.833del on transcript NM_024675.4 (MANE Select); coding-DNA position 833, one base deleted (T; older notation c.833delT).
Protein change: p.Leu278fs; shifts the reading frame from leucine 278.
Molecular consequence: frameshift variant.
Genome position (GRCh38, 1-based): chr16:23,635,713, A deleted on the plus strand (T on the coding strand, the reverse complement: PALB2 is on the minus strand). VCF-style (leftmost placement, unchanged base first): chr16-23635712-TA-T. GRCh37 (hg19) VCF-style: chr16-23647033-TA-T.
Other names: c.773delT, p.Leu258Glnfs (NM_001407296.1); c.833delT, p.Leu278Glnfs (NM_001407297.1, NM_001407298.1, NM_001407299.1 and 3 more transcripts); c.-53delT (NM_001407304.1, NM_001407305.1, NM_001407306.1 and 5 more transcripts); short protein forms L278fs.
Identifiers: ClinVar variation 2419094 (VCV002419094.6), dbSNP rs2506498384, ClinGen allele CA2580091338.

ClinVar aggregate classification (germline): Pathogenic (1 of 4 stars; one submission).

Conditions:
Familial cancer of breast. Also called: hereditary breast carcinoma; BREAST CANCER, FAMILIAL; Hereditary breast cancer. Identifiers: Orphanet 227535, MedGen C0346153, MONDO:0016419, OMIM 114480. Disease mechanism: loss of function.

Submission:

Labcorp Genetics (formerly Invitae), Labcorp
Classification: Pathogenic for Familial cancer of breast. Last evaluated: 2022-06-29. Review status: criteria provided, single submitter. Criteria: Invitae Variant Classification Sherloc (09022015). Collection method: clinical testing. Allele origin: germline.
Comment: This sequence change creates a premature translational stop signal (p.Leu278Glnfs*10) in the PALB2 gene. It is expected to result in an absent or disrupted protein product. Loss-of-function variants in PALB2 are known to be pathogenic (PMID: 17200668, 17200671, 17200672, 24136930, 25099575). This variant is not present in population databases (gnomAD no frequency). For these reasons, this variant has been classified as Pathogenic. This premature translational stop signal has been observed in individual(s) with breast cancer (PMID: 31060593).

Literature cited by the submitters: PubMed 17200668; PubMed 17200671; PubMed 17200672; PubMed 24136930; PubMed 25099575; PubMed 31060593.